The following is an entry in ClinVar:

ClinVar aggregate classification (germline): Benign/Likely benign. Review status: criteria provided, multiple submitters, no conflicts (2 of 4 stars). 3 submissions from 3 submitters: Benign (1); Likely benign (2). Last evaluated 2025-11-30.

Conditions:
Hereditary cancer-predisposing syndrome. Also called: Tumor predisposition; Hereditary Cancer Syndrome; Hereditary neoplastic syndrome; Neoplastic Syndromes, Hereditary. Identifiers: Orphanet 140162, MedGen C0027672, MeSH D009386, MONDO:0015356.
Multiple endocrine neoplasia, type 2 (MEN2). Identifiers: Orphanet 653, MedGen C4048306, MONDO:0019003. Disease mechanism: gain of function.
Multiple endocrine neoplasia type 2A. Also called: Multiple Endocrine Neoplasia Type 2A (MEN2A); MULTIPLE ENDOCRINE NEOPLASIA, TYPE IIA; PTC SYNDROME; SIPPLE SYNDROME; MEN 2A; MEN-2A syndrome. Identifiers: Orphanet 247698, Orphanet 653, MedGen C0025268, MeSH D018813, MONDO:0008234, OMIM 171400.

Allele frequency attached by ClinVar (database versions not stated): TOPMed 0.00001; ExAC 0.00002.
gnomAD v4.1: 1 of 1,595,356 alleles (0.000063%); highest among the groups gnomAD compares: East Asian, 0.0023%; no homozygotes.

Submissions (3):

Labcorp Genetics (formerly Invitae), Labcorp
Classification: Likely benign for Multiple endocrine neoplasia, type 2. Last evaluated: 2025-11-30. Review status: criteria provided, single submitter. Criteria: Invitae Variant Classification Sherloc (09022015). Collection method: clinical testing. Allele origin: germline.

Myriad Genetics, Inc.
Classification: Benign for Multiple endocrine neoplasia type 2A. Last evaluated: 2025-02-25. Review status: criteria provided, single submitter. Criteria: Myriad Autosomal Dominant, Autosomal Recessive and X-Linked Classification Criteria (2023). Collection method: clinical testing. Allele origin: unknown.
Comment: This variant is considered benign. This variant is a silent/synonymous amino acid change and it is not expected to impact splicing.

Ambry Genetics
Classification: Likely benign for Hereditary cancer-predisposing syndrome. Last evaluated: 2016-04-25. Review status: criteria provided, single submitter. Criteria: Ambry Variant Classification Scheme 2023. Collection method: clinical testing. Allele origin: germline.

NM_020975.6(RET):c.1569G>A (p.Lys523=)

Gene: RET (ret proto-oncogene; plus strand). Cytogenetic location: 10q11.21.
Variant type: single nucleotide variant.
Coding change: c.1569G>A on transcript NM_020975.6 (MANE Select); coding-DNA position 1569, G replaced by A.
Protein change: p.Lys523=; no amino-acid change (lysine 523 retained).
Molecular consequence: synonymous variant.
Genome position (GRCh38, 1-based): chr10:43,112,145, G>A. VCF-style: chr10-43112145-G-A. GRCh37 (hg19) VCF-style: chr10-43607593-G-A.
Other names: c.1569G>A, p.Lys523= (NM_000323.2, NM_001406743.1, NM_001406744.1 and 6 more transcripts); c.807G>A, p.Lys269= (NM_001355216.2); c.1440G>A, p.Lys480= (NM_001406761.1, NM_001406762.1, NM_001406764.1 and 1 more transcripts); c.1281G>A, p.Lys427= (NM_001406766.1, NM_001406767.1, NM_001406770.1); c.1173G>A, p.Lys391= (NM_001406769.1, NM_001406772.1); c.1131G>A, p.Lys377= (NM_001406771.1, NM_001406773.1); c.1044G>A, p.Lys348= (NM_001406774.1); c.843G>A, p.Lys281= (NM_001406775.1, NM_001406776.1, NM_001406777.1 and 1 more transcripts); and 5 more.
Identifiers: ClinVar variation 486322 (VCV000486322.18), dbSNP rs751464792, ClinGen allele CA034429.
Genomic context (GRCh38, chr10:43,112,145, plus strand): 5'-TCTGCCACCTGCAGATGTGGCCGAGGAGGCGGGCTGCCCCCTGTCCTGTGCAGTCAGCAA[G>A]AGACGGCTGGAGTGTGAGGAGTGTGGCGGCCTGGGCTCCCCAACAGGCAGGTGTGAGTGG-3'
Protein context (NP_066124.1, residues 513-533): AGCPLSCAVS[Lys523=]RRLECEECGG